The following is an entry in ClinVar:

NM_000460.4(THPO):c.-52C>T

Gene: THPO (thrombopoietin; minus strand). Cytogenetic location: 3q27.1.
Variant type: single nucleotide variant.
Coding change: c.-52C>T on transcript NM_000460.4 (MANE Select); 52 bases upstream of the start codon, C replaced by T.
Molecular consequence: 5 prime UTR variant. On other transcripts: synonymous variant (1).
Genome position (GRCh38, 1-based): chr3:184,376,311, G>A on the plus strand (C>T on the coding strand, the complement: THPO is on the minus strand). VCF-style: chr3-184376311-G-A. GRCh37 (hg19) VCF-style: chr3-184094099-G-A.
Other names: c.-52C>T (NM_001177597.2, NM_001177598.2, NM_001289997.1 and 5 more transcripts); c.369C>T, p.Phe123= (NM_001290003.1).
Identifiers: ClinVar variation 3031543 (VCV003031543.2), dbSNP rs2474343124, ClinGen allele CA2740091065.

ClinVar aggregate classification (germline): Likely benign (0 of 4 stars; one submission).

Conditions:
THPO-related disorder. Also called: THPO-related condition.

Submission:

PreventionGenetics, part of Exact Sciences
Classification: Likely benign for THPO-related condition. Last evaluated: 2020-12-03. Review status: no assertion criteria provided. Collection method: clinical testing. Allele origin: germline.
Comment: This variant is classified as likely benign based on ACMG/AMP sequence variant interpretation guidelines (Richards et al. 2015 PMID: 25741868, with internal and published modifications).